The following is an entry in ClinVar:

ClinVar aggregate classification (germline): Uncertain significance (1 of 4 stars; one submission).

gnomAD v4.1: 1 of 1,612,800 alleles (0.000062%); highest among the groups gnomAD compares: Non-Finnish European, 0.000085%; no homozygotes.

Submission:

Labcorp Genetics (formerly Invitae), Labcorp
Classification: Uncertain significance. Last evaluated: 2025-02-05. Review status: criteria provided, single submitter. Criteria: Invitae Variant Classification Sherloc (09022015). Collection method: clinical testing. Allele origin: germline.
Comment: This sequence change replaces proline, which is neutral and non-polar, with histidine, which is basic and polar, at codon 637 of the LZTR1 protein (p.Pro637His). This variant is not present in population databases (gnomAD no frequency). This variant has not been reported in the literature in individuals affected with LZTR1-related conditions. Invitae Evidence Modeling of protein sequence and biophysical properties (such as structural, functional, and spatial information, amino acid conservation, physicochemical variation, residue mobility, and thermodynamic stability) indicates that this missense variant is not expected to disrupt LZTR1 protein function with a negative predictive value of 80%. In summary, the available evidence is currently insufficient to determine the role of this variant in disease. Therefore, it has been classified as a Variant of Uncertain Significance.

NM_006767.4(LZTR1):c.1910C>A (p.Pro637His)

Gene: LZTR1 (leucine zipper like post translational regulator 1; plus strand). Cytogenetic location: 22q11.21.
Variant type: single nucleotide variant.
Coding change: c.1910C>A on transcript NM_006767.4 (MANE Select); coding-DNA position 1910, C replaced by A.
Protein change: p.Pro637His; replaces proline 637 with histidine.
Molecular consequence: missense variant.
Genome position (GRCh38, 1-based): chr22:20,994,994, C>A. VCF-style: chr22-20994994-C-A. GRCh37 (hg19) VCF-style: chr22-21349283-C-A.
Other names: short protein forms P637H.
Identifiers: ClinVar variation 4776958 (VCV004776958.1).